The following is an entry in ClinVar:

ClinVar aggregate classification (germline): Likely benign (1 of 4 stars; one submission).

Submission:

CeGaT Center for Human Genetics Tuebingen
Classification: Likely benign. Last evaluated: 2024-11-01. Review status: criteria provided, single submitter. Criteria: CeGaT Center For Human Genetics Tuebingen Variant Classification Criteria Version 2. Collection method: clinical testing. Allele origin: germline. Affected: yes. Observed: 1 variant allele.
Comment: GNAS: PM2:Supporting, BP4, BP7

NM_080425.4(GNAS):c.2069-5231C>T

Gene: GNAS (GNAS complex locus; plus strand). Cytogenetic location: 20q13.32.
Variant type: single nucleotide variant.
Coding change: c.2069-5231C>T on transcript NM_080425.4 (MANE Plus Clinical); 5231 bases into the intron before coding-DNA position 2069, C replaced by T.
Molecular consequence: intron variant.
Genome position (GRCh38, 1-based): chr20:58,890,381, C>T. VCF-style: chr20-58890381-C-T. GRCh37 (hg19) VCF-style: chr20-57465436-C-T.
Other names: c.-39+1049C>T (NM_001438274.1, NM_001439291.1); c.-39+1028C>T (NM_001309840.2, NM_001438273.1); c.*43-5231C>T (NM_016592.5); c.44-5231C>T (NM_001410912.1); c.-38-5231C>T (NM_001309861.2); c.*1-5231C>T (NM_001077490.3); c.2069-5231C>T (NM_001410913.1); c.*159-5231C>T (NM_001309883.1).
Identifiers: ClinVar variation 3389527 (VCV003389527.14).